The following is an entry in ClinVar:

ClinVar aggregate classification (germline): Uncertain significance (1 of 4 stars; one submission).

Submission:

Labcorp Genetics (formerly Invitae), Labcorp
Classification: Uncertain significance. Last evaluated: 2022-07-03. Review status: criteria provided, single submitter. Criteria: Invitae Variant Classification Sherloc (09022015). Collection method: clinical testing. Allele origin: germline.
Comment: In summary, the available evidence is currently insufficient to determine the role of this variant in disease. Therefore, it has been classified as a Variant of Uncertain Significance. Algorithms developed to predict the effect of missense changes on protein structure and function (SIFT, PolyPhen-2, Align-GVGD) all suggest that this variant is likely to be tolerated. ClinVar contains an entry for this variant (Variation ID: 1021712). This variant has not been reported in the literature in individuals affected with EMC1-related conditions. This variant is not present in population databases (gnomAD no frequency). This sequence change replaces threonine, which is neutral and polar, with isoleucine, which is neutral and non-polar, at codon 499 of the EMC1 protein (p.Thr499Ile).

NM_015047.3(EMC1):c.1496C>T (p.Thr499Ile)

Genes: EMC1 (ER membrane protein complex subunit 1; minus strand), EMC1-AS1 (EMC1 antisense RNA 1; plus strand). Cytogenetic location: 1p36.13.
Variant type: single nucleotide variant.
Coding change: c.1496C>T on transcript NM_015047.3 (MANE Select); coding-DNA position 1496, C replaced by T.
Protein change: p.Thr499Ile; replaces threonine 499 with isoleucine.
Molecular consequence: missense variant.
Genome position (GRCh38, 1-based): chr1:19,233,072, G>A on the plus strand (C>T on the coding strand, the complement: EMC1 is on the minus strand). VCF-style: chr1-19233072-G-A. GRCh37 (hg19) VCF-style: chr1-19559566-G-A.
Other names: c.1493C>T, p.Thr498Ile (NM_001271427.2, NM_001271428.2); c.1430C>T, p.Thr477Ile (NM_001271429.2); c.1505C>T, p.Thr502Ile (NM_001375820.1); c.1502C>T, p.Thr501Ile (NM_001375821.1); short protein forms T477I, T498I, T499I, T501I, T502I.
Identifiers: ClinVar variation 1021712 (VCV001021712.8), dbSNP rs2093536243, ClinGen allele CA338763001.